The following is an entry in ClinVar:

ClinVar aggregate classification (germline): Conflicting classifications of pathogenicity. Review status: criteria provided, conflicting classifications (1 of 4 stars). 3 submissions from 3 submitters: Likely pathogenic (1); Uncertain significance (2). Last evaluated 2026-06-24.

Conditions:
Lynch syndrome 4 (LYNCH4). Also called: Colorectal cancer, hereditary nonpolyposis, type 4; Hereditary non-polyposis colorectal cancer, type 4. Identifiers: Orphanet 144, MedGen C1838333, MONDO:0013699, OMIM 614337. Disease mechanism: loss of function.
Hereditary cancer-predisposing syndrome. Also called: Hereditary neoplastic syndrome; Hereditary Cancer Syndrome; Neoplastic Syndromes, Hereditary; Tumor predisposition. Identifiers: Orphanet 140162, MedGen C0027672, MeSH D009386, MONDO:0015356.

Submissions (3):

Ambry Genetics
Classification: Uncertain significance for Hereditary cancer-predisposing syndrome. Last evaluated: 2026-06-24. Review status: criteria provided, single submitter. Criteria: Ambry Variant Classification Scheme 2023. Collection method: clinical testing. Allele origin: germline.
Comment: The c.804-11A>G intronic variant results from an A to G substitution 11 nucleotides upstream from coding exon 8 in the PMS2 gene. This nucleotide position is not well conserved in available vertebrate species. In silico splice site analysis predicts that this alteration will weaken the native splice acceptor site and may result in the creation or strengthening of a novel splice acceptor site. RNA studies have demonstrated that this variant results in a splice defect; the clinical impact of this abnormal splicing is unknown at this time (external laboratory communication; Ambry internal data). Based on the available evidence, the clinical significance of this variant remains unclear.

Myriad Genetics, Inc.
Classification: Likely pathogenic for Lynch syndrome 4. Last evaluated: 2023-09-19. Review status: criteria provided, single submitter. Criteria: Myriad Autosomal Dominant, Autosomal Recessive and X-Linked Classification Criteria (2023). Collection method: clinical testing. Allele origin: unknown.
Comment: This variant is considered likely pathogenic. mRNA analysis has demonstrated abnormal mRNA splicing occurs [Myriad internal data].

Color Diagnostics, LLC DBA Color Health
Classification: Uncertain significance for Hereditary cancer-predisposing syndrome. Last evaluated: 2022-02-16. Review status: criteria provided, single submitter. Criteria: ACMG Guidelines, 2015. Collection method: clinical testing. Allele origin: germline.
Comment: This variant causes an A to G nucleotide substitution at the -11 position of intron 7 of the PMS2 gene. Splice site prediction tools are inconclusive regarding the impact of this variant on RNA splicing. To our knowledge, functional studies have not been reported for this variant. This variant has not been reported in individuals affected with hereditary cancer in the literature. This variant has not been identified in the general population by the Genome Aggregation Database (gnomAD). The available evidence is insufficient to determine the role of this variant in disease conclusively. Therefore, this variant is classified as a Variant of Uncertain Significance.

NM_000535.7(PMS2):c.804-11A>G

Gene: PMS2 (PMS1 homolog 2, mismatch repair system component; minus strand). Cytogenetic location: 7p22.1.
Variant type: single nucleotide variant.
Coding change: c.804-11A>G on transcript NM_000535.7 (MANE Select); 11 bases into the intron before coding-DNA position 804, A replaced by G.
Molecular consequence: intron variant.
Genome position (GRCh38, 1-based): chr7:5,995,644, T>C on the plus strand (A>G on the coding strand, the complement: PMS2 is on the minus strand). VCF-style: chr7-5995644-T-C. GRCh37 (hg19) VCF-style: chr7-6035275-T-C.
Other names: c.804-11A>G (NM_000535.5, NM_001322006.2, NM_001406870.1 and 3 more transcripts); c.399-11A>G (NM_001406898.1, NM_001406897.1, NM_001322009.2 and 19 more transcripts); c.495-11A>G (NM_001406882.1, NM_001406875.1, NM_001406877.1 and 6 more transcripts); c.486-11A>G (NM_001322008.2, NM_001406902.1, NM_001406883.1 and 4 more transcripts); c.133-3587A>G (NM_001406911.1); c.291-11A>G (NM_001406904.1, NM_001406905.1); c.231-11A>G (NM_001322013.2, NM_001406909.1); c.-130-11A>G (NM_001322012.2, NM_001322011.2); and 8 more.
Identifiers: ClinVar variation 2674197 (VCV002674197.4), dbSNP rs2128776611, ClinGen allele CA2695198421.